The following is an entry in ClinVar:

NM_004329.3(BMPR1A):c.1318A>T (p.Met440Leu)

Gene: BMPR1A (bone morphogenetic protein receptor type 1A; plus strand). Cytogenetic location: 10q23.2.
Variant type: single nucleotide variant.
Coding change: c.1318A>T on transcript NM_004329.3 (MANE Select); coding-DNA position 1318, A replaced by T.
Protein change: p.Met440Leu; replaces methionine 440 with leucine.
Molecular consequence: missense variant. On other transcripts: non-coding transcript variant (3).
Genome position (GRCh38, 1-based): chr10:86,921,671, A>T. VCF-style: chr10-86921671-A-T. GRCh37 (hg19) VCF-style: chr10-88681428-A-T.
Other names: c.1393A>T, p.Met465Leu (NM_001406559.1); c.1366A>T, p.Met456Leu (NM_001406560.1); c.1318A>T, p.Met440Leu (NM_001406561.1, NM_001406562.1, NM_001406563.1 and 19 more transcripts); c.1234A>T, p.Met412Leu (NM_001406584.1, NM_001406585.1, NM_001406586.1 and 2 more transcripts); c.976A>T, p.Met326Leu (NM_001406589.1); c.1312A>T, p.Met438Leu (NM_001406583.1); short protein forms M326L, M412L, M438L, M440L, M456L, M465L.
Identifiers: ClinVar variation 4867545 (VCV004867545.1).

ClinVar aggregate classification (germline): Uncertain significance (1 of 4 stars; one submission).

Conditions:
Hereditary cancer-predisposing syndrome. Also called: Neoplastic Syndromes, Hereditary; Tumor predisposition; Hereditary Cancer Syndrome; Hereditary neoplastic syndrome. Identifiers: Orphanet 140162, MedGen C0027672, MeSH D009386, MONDO:0015356.

Submission:

Ambry Genetics
Classification: Uncertain significance for Hereditary cancer-predisposing syndrome. Last evaluated: 2026-03-17. Review status: criteria provided, single submitter. Criteria: Ambry Variant Classification Scheme 2023. Collection method: clinical testing. Allele origin: germline.
Comment: The p.M440L variant (also known as c.1318A>T), located in coding exon 9 of the BMPR1A gene, results from an A to T substitution at nucleotide position 1318. The methionine at codon 440 is replaced by leucine, an amino acid with highly similar properties. This amino acid position is conserved. In addition, this alteration is predicted to be deleterious by in silico analysis. Based on the available evidence, the clinical significance of this variant remains unclear.